The following is an entry in ClinVar:

ClinVar aggregate classification (germline): Benign/Likely benign. Review status: criteria provided, multiple submitters, no conflicts (2 of 4 stars). 6 submissions from 6 submitters: Benign (2); Likely benign (3). 1 of the submissions does not count toward it. Last evaluated 2026-02-13.

Conditions:
Autoinflammatory syndrome. Identifiers: Orphanet 93665, MedGen C3890737, MONDO:0019751.
STING1-related disorder. Also called: STING1-related condition.
STING-associated vasculopathy with onset in infancy. Also called: Sting-associated vasculopathy, infantile-onset. Identifiers: Orphanet 425120, MedGen C4014722, MONDO:0014405, OMIM 615934.

Allele frequency attached by ClinVar (database versions not stated): ExAC 0.00049; 1000 Genomes Project 30x 0.00094; 1000 Genomes Project 0.00120; TOPMed 0.00124; gnomAD 0.00153; ESP Exome Variant Server 0.00200.

Submissions (10):

Women's Health and Genetics/Laboratory Corporation of America, LabCorp
Classification: Benign. Last evaluated: 2026-02-13. Review status: criteria provided, single submitter. Criteria: LabCorp Variant Classification Summary - May 2015. Collection method: clinical testing. Allele origin: germline.
Comment: Variant summary: STING1 c.762G>A (p.Ala254Ala) alters a nucleotide located close to a canonical splice site and therefore could affect mRNA splicing, leading to a significantly altered protein sequence. Several computational tools predict a significant impact on normal splicing: Four predict the variant no significant impact on splicing. Three predict the variant creates a cryptic 3' acceptor site. However, these predictions have yet to be confirmed by functional studies. The variant allele was found at a frequency of 0.00047 in 281482 control chromosomes in the gnomAD database, including 1 homozygote. The observed variant frequency exceeds the estimated maximal expected allele frequency for disease-causing variants in STING1. To our knowledge, no occurrence of c.762G>A in individuals affected with STING1-related conditions and no experimental evidence demonstrating its impact on protein function have been reported. ClinVar contains an entry for this variant (Variation ID: 721671). Based on the evidence outlined above, the variant was classified as benign.

Labcorp Genetics (formerly Invitae), Labcorp
Classification: Benign for STING-associated vasculopathy with onset in infancy. Last evaluated: 2026-01-26. Review status: criteria provided, single submitter. Criteria: Invitae Variant Classification Sherloc (09022015). Collection method: clinical testing. Allele origin: germline.

Blueprint Genetics
Classification: Likely benign. Last evaluated: 2024-11-14. Review status: criteria provided, single submitter. Criteria: ACMG Guidelines, 2015. Collection method: clinical testing. Allele origin: germline.

CeGaT Center for Human Genetics Tuebingen
Classification: Likely benign. Last evaluated: 2023-05-01. Review status: criteria provided, single submitter. Criteria: CeGaT Center For Human Genetics Tuebingen Variant Classification Criteria Version 2. Collection method: clinical testing. Allele origin: germline. Affected: yes. Observed: 2 variant alleles.
Comment: STING1: BS2

Genome Diagnostics Laboratory, The Hospital for Sick Children
Classification: Likely benign for Autoinflammatory syndrome. Last evaluated: 2020-07-01. Review status: criteria provided, single submitter. Criteria: ACMG Guidelines, 2015. Collection method: clinical testing. Allele origin: germline. Affected: yes.

PreventionGenetics, part of Exact Sciences
Classification: Likely benign for STING1-related condition. Last evaluated: 2019-04-16. Review status: no assertion criteria provided. Collection method: clinical testing. Allele origin: germline. Not counted in ClinVar's aggregate classification.
Comment: This variant is classified as likely benign based on ACMG/AMP sequence variant interpretation guidelines (Richards et al. 2015 PMID: 25741868, with internal and published modifications).

Dr. Peter K. Rogan Lab, Western University
No classification provided (evidence only). Condition: Familial cancer of breast. Review status: no classification provided. Collection method: in vitro. Allele origin: not applicable. Functional consequence: retained intron. Not counted in ClinVar's aggregate classification.

Dr. Peter K. Rogan Lab, Western University
No classification provided (evidence only). Condition: Acute myeloid leukemia. Review status: no classification provided. Collection method: in vitro. Allele origin: not applicable. Functional consequence: skipped exon, retained intron. Not counted in ClinVar's aggregate classification.

Dr. Peter K. Rogan Lab, Western University
No classification provided (evidence only). Condition: Hepatocellular carcinoma. Review status: no classification provided. Collection method: in vitro. Allele origin: not applicable. Functional consequence: retained intron. Not counted in ClinVar's aggregate classification.

Dr. Peter K. Rogan Lab, Western University
No classification provided (evidence only). Condition: Gastric cancer. Review status: no classification provided. Collection method: in vitro. Allele origin: not applicable. Functional consequence: retained intron. Not counted in ClinVar's aggregate classification.

NM_198282.4(STING1):c.762G>A (p.Ala254=)

Gene: STING1 (stimulator of interferon response cGAMP interactor 1; minus strand). Cytogenetic location: 5q31.2.
Variant type: single nucleotide variant.
Coding change: c.762G>A on transcript NM_198282.4 (MANE Select); coding-DNA position 762, G replaced by A.
Protein change: p.Ala254=; no amino-acid change (alanine 254 retained).
Molecular consequence: synonymous variant. On other transcripts: intron variant (1).
Genome position (GRCh38, 1-based): chr5:139,477,513, C>T on the plus strand (G>A on the coding strand, the complement: STING1 is on the minus strand). VCF-style: chr5-139477513-C-T. GRCh37 (hg19) VCF-style: chr5-138857098-C-T.
Other names: c.405G>A, p.Ala135= (NM_001367258.1); c.759+757G>A (NM_001301738.2).
Identifiers: ClinVar variation 721671 (VCV000721671.43), dbSNP rs11554777, ClinGen allele CA3435310.